The following is an entry in ClinVar:

NM_014423.4(AFF4):c.473A>G (p.Asn158Ser)

Gene: AFF4 (ALF transcription elongation factor 4; minus strand). Cytogenetic location: 5q31.1.
Variant type: single nucleotide variant.
Coding change: c.473A>G on transcript NM_014423.4 (MANE Select); coding-DNA position 473, A replaced by G.
Protein change: p.Asn158Ser; replaces asparagine 158 with serine.
Molecular consequence: missense variant.
Genome position (GRCh38, 1-based): chr5:132,934,592, T>C on the plus strand (A>G on the coding strand, the complement: AFF4 is on the minus strand). VCF-style: chr5-132934592-T-C. GRCh37 (hg19) VCF-style: chr5-132270284-T-C.
Other names: short protein forms N158S.
Identifiers: ClinVar variation 847269 (VCV000847269.10), dbSNP rs1022009453, ClinGen allele CA127295357.

ClinVar aggregate classification (germline): Conflicting classifications of pathogenicity. Review status: criteria provided, conflicting classifications (1 of 4 stars). 2 submissions from 2 submitters: Uncertain significance (1); Likely benign (1). Last evaluated 2025-01-23.

Conditions:
Cognitive impairment - coarse facies - heart defects - obesity - pulmonary involvement - short stature - skeletal dysplasia syndrome. Also called: AFF4-Related CHOPS Syndrome; Chops syndrome; COGNITIVE IMPAIRMENT, COARSE FACIES, HEART DEFECTS, OBESITY, PULMONARY INVOLVEMENT, SHORT STATURE, AND SKELETAL DYSPLASIA. Identifiers: Orphanet 444077, MedGen C4085597, MONDO:0014609, OMIM 616368.
Inborn genetic diseases. Identifiers: MedGen C0950123, MeSH D030342.

Allele frequency attached by ClinVar (database versions not stated): gnomAD exomes below 0.00001; TOPMed 0.00002; gnomAD 0.00003.
gnomAD v4.1: 11 of 1,614,070 alleles (0.00068%); highest among the groups gnomAD compares: African/African-American, 0.0067%; no homozygotes.

Submissions (2):

Ambry Genetics
Classification: Likely benign for Inborn genetic diseases. Last evaluated: 2025-01-23. Review status: criteria provided, single submitter. Criteria: Ambry Variant Classification Scheme 2023. Collection method: clinical testing. Allele origin: germline.

Labcorp Genetics (formerly Invitae), Labcorp
Classification: Uncertain significance for Cognitive impairment - coarse facies - heart defects - obesity - pulmonary involvement - short stature - skeletal dysplasia syndrome. Last evaluated: 2023-08-10. Review status: criteria provided, single submitter. Criteria: Invitae Variant Classification Sherloc (09022015). Collection method: clinical testing. Allele origin: germline.
Comment: Algorithms developed to predict the effect of missense changes on protein structure and function output the following: SIFT: "Not Available"; PolyPhen-2: "Benign"; Align-GVGD: "Not Available". The serine amino acid residue is found in multiple mammalian species, which suggests that this missense change does not adversely affect protein function. In summary, the available evidence is currently insufficient to determine the role of this variant in disease. Therefore, it has been classified as a Variant of Uncertain Significance. ClinVar contains an entry for this variant (Variation ID: 847269). This variant has not been reported in the literature in individuals affected with AFF4-related conditions. This variant is present in population databases (no rsID available, gnomAD 0.02%). This sequence change replaces asparagine, which is neutral and polar, with serine, which is neutral and polar, at codon 158 of the AFF4 protein (p.Asn158Ser).